The following is an entry in ClinVar:

ClinVar aggregate classification (germline): Uncertain significance. Review status: criteria provided, multiple submitters, no conflicts (2 of 4 stars). 2 submissions from 2 submitters: Uncertain significance (2). Last evaluated 2024-12-07.

Allele frequency attached by ClinVar (database versions not stated): gnomAD 0.00003; TOPMed 0.00003; ExAC 0.00006.

Submissions (2):

Ambry Genetics
Classification: Uncertain significance. Last evaluated: 2024-12-07. Review status: criteria provided, single submitter. Criteria: Ambry Variant Classification Scheme 2023. Collection method: clinical testing. Allele origin: germline.

GeneDx
Classification: Uncertain significance. Last evaluated: 2023-04-29. Review status: criteria provided, single submitter. Criteria: GeneDx Variant Classification Process June 2021. Collection method: clinical testing. Allele origin: germline. Affected: yes.
Comment: In silico analysis supports that this missense variant does not alter protein structure/function; Has not been previously published as pathogenic or benign to our knowledge

NM_001308120.2(TOGARAM1):c.314C>A (p.Thr105Asn)

Gene: TOGARAM1 (TOG array regulator of axonemal microtubules 1; plus strand). Cytogenetic location: 14q21.2.
Variant type: single nucleotide variant.
Coding change: c.314C>A on transcript NM_001308120.2 (MANE Select); coding-DNA position 314, C replaced by A.
Protein change: p.Thr105Asn; replaces threonine 105 with asparagine.
Molecular consequence: missense variant. On other transcripts: non-coding transcript variant (1).
Genome position (GRCh38, 1-based): chr14:44,962,735, C>A. VCF-style: chr14-44962735-C-A. GRCh37 (hg19) VCF-style: chr14-45431938-C-A.
Other names: c.314C>A, p.Thr105Asn (NM_015091.4); c.314C>A (NM_015091.2); short protein forms T105N.
Identifiers: ClinVar variation 2662671 (VCV002662671.3), dbSNP rs751463431, ClinGen allele CA7166885.